The following is an entry in ClinVar:

ClinVar aggregate classification (germline): Uncertain significance. Review status: criteria provided, multiple submitters, no conflicts (2 of 4 stars). 2 submissions from 2 submitters: Uncertain significance (2). Last evaluated 2025-10-19.

Conditions:
Hereditary cancer-predisposing syndrome. Also called: Hereditary neoplastic syndrome; Tumor predisposition; Hereditary Cancer Syndrome; Neoplastic Syndromes, Hereditary. Identifiers: Orphanet 140162, MedGen C0027672, MeSH D009386, MONDO:0015356.
Medulloblastoma (MDB). Also called: MEDULLOBLASTOMA PREDISPOSITION SYNDROME; Medulloblastoma, somatic. Identifiers: Orphanet 616, MedGen C0025149, MeSH D008527, MONDO:0007959, OMIM 155255, HP:0002885.
Gorlin syndrome. Also called: Nevoid Basal Cell Carcinoma Syndrome; Basal cell nevus syndrome. Identifiers: Orphanet 377, MedGen C0004779, MONDO:0007187.

Allele frequency attached by ClinVar (database versions not stated): TOPMed below 0.00001.
gnomAD v4.1: 2 of 1,614,152 alleles (0.00012%); highest among the groups gnomAD compares: Non-Finnish European, 0.00017%; no homozygotes.

Submissions (2):

Ambry Genetics
Classification: Uncertain significance for Hereditary cancer-predisposing syndrome. Last evaluated: 2025-10-19. Review status: criteria provided, single submitter. Criteria: Ambry Variant Classification Scheme 2023. Collection method: clinical testing. Allele origin: germline.
Comment: The p.I91V variant (also known as c.271A>G), located in coding exon 2 of the SUFU gene, results from an A to G substitution at nucleotide position 271. The isoleucine at codon 91 is replaced by valine, an amino acid with highly similar properties. This amino acid position is not well conserved in available vertebrate species. In addition, this alteration is predicted to be tolerated by in silico analysis. Since supporting evidence is limited at this time, the clinical significance of this alteration remains unclear.

Labcorp Genetics (formerly Invitae), Labcorp
Classification: Uncertain significance for Gorlin syndrome; Medulloblastoma. Last evaluated: 2024-07-18. Review status: criteria provided, single submitter. Criteria: Invitae Variant Classification Sherloc (09022015). Collection method: clinical testing. Allele origin: germline.
Comment: This sequence change replaces isoleucine, which is neutral and non-polar, with valine, which is neutral and non-polar, at codon 91 of the SUFU protein (p.Ile91Val). This variant is not present in population databases (gnomAD no frequency). This variant has not been reported in the literature in individuals affected with SUFU-related conditions. ClinVar contains an entry for this variant (Variation ID: 1423375). Advanced modeling of protein sequence and biophysical properties (such as structural, functional, and spatial information, amino acid conservation, physicochemical variation, residue mobility, and thermodynamic stability) performed at Invitae indicates that this missense variant is not expected to disrupt SUFU protein function with a negative predictive value of 80%. In summary, the available evidence is currently insufficient to determine the role of this variant in disease. Therefore, it has been classified as a Variant of Uncertain Significance.

NM_016169.4(SUFU):c.271A>G (p.Ile91Val)

Gene: SUFU (SUFU negative regulator of hedgehog signaling; plus strand). Cytogenetic location: 10q24.32.
Variant type: single nucleotide variant.
Coding change: c.271A>G on transcript NM_016169.4 (MANE Select); coding-DNA position 271, A replaced by G.
Protein change: p.Ile91Val; replaces isoleucine 91 with valine.
Molecular consequence: missense variant.
Genome position (GRCh38, 1-based): chr10:102,509,257, A>G. VCF-style: chr10-102509257-A-G. GRCh37 (hg19) VCF-style: chr10-104269014-A-G.
Other names: c.271A>G, p.Ile91Val (NM_001178133.2); short protein forms I91V.
Identifiers: ClinVar variation 1423375 (VCV001423375.11), dbSNP rs759030707, ClinGen allele CA212240654.